The following is an entry in ClinVar:

NM_016023.5(OTUD6B):c.377A>C (p.Asn126Thr)

Gene: OTUD6B (OTU deubiquitinase 6B; plus strand). Cytogenetic location: 8q21.3.
Variant type: single nucleotide variant.
Coding change: c.377A>C on transcript NM_016023.5 (MANE Select); coding-DNA position 377, A replaced by C.
Protein change: p.Asn126Thr; replaces asparagine 126 with threonine.
Molecular consequence: missense variant.
Genome position (GRCh38, 1-based): chr8:91,078,417, A>C. VCF-style: chr8-91078417-A-C. GRCh37 (hg19) VCF-style: chr8-92090645-A-C.
Other names: c.74A>C, p.Asn25Thr (NM_001286745.3); short protein forms N25T, N126T.
Identifiers: ClinVar variation 935053 (VCV000935053.6), dbSNP rs148822489, ClinGen allele CA4804767.

ClinVar aggregate classification (germline): Uncertain significance (1 of 4 stars; one submission).

Allele frequency attached by ClinVar (database versions not stated): gnomAD exomes 0.00024; gnomAD 0.00035 and 0.00036; TOPMed 0.00041; ExAC 0.00048; ESP Exome Variant Server 0.00069.
gnomAD v4.1: 744 of 1,596,900 alleles (0.047%); highest among the groups gnomAD compares: Non-Finnish European, 0.057%; no homozygotes.

Submission:

Labcorp Genetics (formerly Invitae), Labcorp
Classification: Uncertain significance. Last evaluated: 2022-07-18. Review status: criteria provided, single submitter. Criteria: Invitae Variant Classification Sherloc (09022015). Collection method: clinical testing. Allele origin: germline.
Comment: This sequence change replaces asparagine, which is neutral and polar, with threonine, which is neutral and polar, at codon 156 of the OTUD6B protein (p.Asn156Thr). This variant is present in population databases (rs148822489, gnomAD 0.1%). This variant has not been reported in the literature in individuals affected with OTUD6B-related conditions. ClinVar contains an entry for this variant (Variation ID: 935053). Algorithms developed to predict the effect of missense changes on protein structure and function are either unavailable or do not agree on the potential impact of this missense change (SIFT: "Deleterious"; PolyPhen-2: "Possibly Damaging"; Align-GVGD: "Class C0"). In summary, the available evidence is currently insufficient to determine the role of this variant in disease. Therefore, it has been classified as a Variant of Uncertain Significance.